The following is an entry in ClinVar:

NM_000094.4(COL7A1):c.377del (p.Val126fs)

Gene: COL7A1 (collagen type VII alpha 1 chain; minus strand). Cytogenetic location: 3p21.31.
Variant type: Deletion.
Coding change: c.377del on transcript NM_000094.4 (MANE Select); coding-DNA position 377, one base deleted (T; older notation c.377delT).
Protein change: p.Val126fs; shifts the reading frame from valine 126.
Molecular consequence: frameshift variant.
Genome position (GRCh38, 1-based): chr3:48,593,586, A deleted on the plus strand (T on the coding strand, the reverse complement: COL7A1 is on the minus strand). VCF-style (leftmost placement, unchanged base first): chr3-48593585-CA-C. GRCh37 (hg19) VCF-style: chr3-48631018-CA-C.
Other names: c.377del (NM_000094.3); short protein forms V126fs.
Identifiers: ClinVar variation 1451978 (VCV001451978.8), dbSNP rs1221546428, ClinGen allele CA543045411.
Genomic context (GRCh38, chr3:48,593,585, plus strand): 5'-GGTAGGGATCACCTTGGGGACACCAGGTCGGGCCAGCTGGGGCAGGAAGACATGGTCAGC[CA>C]CATGGAGAATTGCAGCCCCTGTGCGAGTGTTGCCCCCCTTGTAGCTAAGCTCACGGATGG-3'

ClinVar aggregate classification (germline): Pathogenic/Likely pathogenic. Review status: criteria provided, multiple submitters, no conflicts (2 of 4 stars). 2 submissions from 2 submitters: Pathogenic (1); Likely pathogenic (1). Last evaluated 2025-01-28.

Conditions:
Epidermolysis bullosa dystrophica. Also called: Dystrophic epidermolysis bullosa, Hallopeau-Siemens type (formerly); Dystrophic epidermolysis bullosa. Identifiers: Orphanet 303, MedGen C0079294, MONDO:0006543.

Allele frequency attached by ClinVar (database versions not stated): gnomAD exomes below 0.00001; gnomAD 0.00001; TOPMed 0.00001.

Submissions (2):

Natera, Inc.
Classification: Likely pathogenic for Dystrophic epidermolysis bullosa. Last evaluated: 2025-01-28. Review status: criteria provided, single submitter. Criteria: Natera Variant Classification Schema (03/2026). Collection method: clinical testing. Allele origin: germline.
Comment: The c.377del variant in COL7A1 is a frameshift variant predicted to shift the reading frame beginning at codon 126 and leads to a stop codon 21 codons downstream. This variant is expected to result in nonsense mediated decay, truncation, or a dysfunctional protein product. This variant is rare in the general population with a frequency below the threshold expected for the associated phenotype(s). Given the available evidence, this variant is classified as Likely Pathogenic.

Labcorp Genetics (formerly Invitae), Labcorp
Classification: Pathogenic. Last evaluated: 2022-02-23. Review status: criteria provided, single submitter. Criteria: Invitae Variant Classification Sherloc (09022015). Collection method: clinical testing. Allele origin: germline.
Comment: For these reasons, this variant has been classified as Pathogenic. This variant has not been reported in the literature in individuals affected with COL7A1-related conditions. This variant is present in population databases (no rsID available, gnomAD 0.0009%). This sequence change creates a premature translational stop signal (p.Val126Glyfs*21) in the COL7A1 gene. It is expected to result in an absent or disrupted protein product. Loss-of-function variants in COL7A1 are known to be pathogenic (PMID: 16971478).

Literature cited by the submitters: PubMed 16971478 (cited by Labcorp Genetics (formerly Invitae), Labcorp).